The following is an entry in ClinVar:

NM_000521.4(HEXB):c.311A>G (p.Tyr104Cys)

Gene: HEXB (hexosaminidase subunit beta; plus strand). Cytogenetic location: 5q13.3.
Variant type: single nucleotide variant.
Coding change: c.311A>G on transcript NM_000521.4 (MANE Select); coding-DNA position 311, A replaced by G.
Protein change: p.Tyr104Cys; replaces tyrosine 104 with cysteine.
Molecular consequence: missense variant. On other transcripts: 5 prime UTR variant (1).
Genome position (GRCh38, 1-based): chr5:74,689,339, A>G. VCF-style: chr5-74689339-A-G. GRCh37 (hg19) VCF-style: chr5-73985164-A-G.
Other names: c.-365A>G (NM_001292004.2); c.311A>G (NM_000521.3); short protein forms Y104C.
Identifiers: ClinVar variation 195082 (VCV000195082.10), dbSNP rs762209256, ClinGen allele CA241354.
Genomic context (GRCh38, chr5:74,689,339, plus strand): 5'-ATTTGGCTAAAATCCTTCTAAAATGTGTTTACATTTATTTCTCAAACAGATATCATGGCT[A>G]TATTTTTGGTTTCTACAAGTGGCATCATGAACCTGCTGAATTCCAGGCTAAAACCCAGGT-3'
Protein context (NP_000512.2, residues 94-114): LEEAFRRYHG[Tyr104Cys]IFGFYKWHHE

ClinVar aggregate classification (germline): Uncertain significance. Review status: criteria provided, multiple submitters, no conflicts (2 of 4 stars). 5 submissions from 5 submitters: Uncertain significance (5). Last evaluated 2024-10-04.

Conditions:
Inborn genetic diseases. Identifiers: MedGen C0950123, MeSH D030342.
Sandhoff disease. Also called: Beta-hexosaminidase-beta-subunit deficiency; GM2 gangliosidosis, type 2; Total hexosaminidase deficiency; Sandhoff-Jatzkewitz-Pilz disease; GM2-GANGLIOSIDOSIS, TYPE II; HEXOSAMINIDASES A AND B DEFICIENCY. Identifiers: Orphanet 796, MedGen C0036161, MONDO:0010006, OMIM 268800.

Allele frequency attached by ClinVar (database versions not stated): ExAC 0.00002; gnomAD 0.00002; gnomAD exomes 0.00004; TOPMed 0.00006.
gnomAD v4.1: 31 of 1,612,950 alleles (0.0019%); highest among the groups gnomAD compares: East Asian, 0.027%; no homozygotes.

Submissions (5):

Ambry Genetics
Classification: Uncertain significance for Inborn genetic diseases. Last evaluated: 2024-10-04. Review status: criteria provided, single submitter. Criteria: Ambry Variant Classification Scheme 2023. Collection method: clinical testing. Allele origin: germline.

Blueprint Genetics
Classification: Uncertain significance. Last evaluated: 2023-02-02. Review status: criteria provided, single submitter. Criteria: ACMG Guidelines, 2015. Collection method: clinical testing. Allele origin: germline.

Labcorp Genetics (formerly Invitae), Labcorp
Classification: Uncertain significance for Sandhoff disease. Last evaluated: 2022-08-07. Review status: criteria provided, single submitter. Criteria: Invitae Variant Classification Sherloc (09022015). Collection method: clinical testing. Allele origin: germline.
Comment: This sequence change replaces tyrosine, which is neutral and polar, with cysteine, which is neutral and slightly polar, at codon 104 of the HEXB protein (p.Tyr104Cys). This variant is present in population databases (rs762209256, gnomAD 0.03%). This variant has not been reported in the literature in individuals affected with HEXB-related conditions. ClinVar contains an entry for this variant (Variation ID: 195082). Advanced modeling of protein sequence and biophysical properties (such as structural, functional, and spatial information, amino acid conservation, physicochemical variation, residue mobility, and thermodynamic stability) performed at Invitae indicates that this missense variant is expected to disrupt HEXB protein function. In summary, the available evidence is currently insufficient to determine the role of this variant in disease. Therefore, it has been classified as a Variant of Uncertain Significance.

Knight Diagnostic Laboratories, Oregon Health and Sciences University
Classification: Uncertain significance for Sandhoff disease. Last evaluated: 2019-02-22. Review status: criteria provided, single submitter. Criteria: ACMG Guidelines, 2015. Collection method: clinical testing. Allele origin: germline. Observed: 1 variant allele.

Eurofins Ntd Llc (ga)
Classification: Uncertain significance. Last evaluated: 2014-11-15. Review status: criteria provided, single submitter. Criteria: EGL Classification Definitions 2015. Collection method: clinical testing. Allele origin: germline. Observed: 1 variant allele, 1 heterozygote.